The following is an entry in ClinVar:

NM_000059.4(BRCA2):c.7524_7525insT (p.Ser2509Ter)

Gene: BRCA2 (BRCA2 DNA repair associated; plus strand). Cytogenetic location: 13q13.1.
Variant type: Insertion.
Coding change: c.7524_7525insT on transcript NM_000059.4 (MANE Select); coding-DNA positions 7524 to 7525, T inserted.
Protein change: p.Ser2509Ter; replaces serine 2509 with a stop codon.
Molecular consequence: nonsense.
Genome position: GRCh38 VCF-style: chr13-32356516-C-CT. GRCh37 (hg19) VCF-style: chr13-32930653-C-CT.
Other names: short protein forms S2509*.
Identifiers: ClinVar variation 548359 (VCV000548359.1), dbSNP rs1555286267, ClinGen allele CA658823747.

ClinVar aggregate classification (germline): Pathogenic (3 of 4 stars; one submission).

Conditions:
Breast-ovarian cancer, familial, susceptibility to, 2 (BROVCA2). Also called: BRCA2 Hereditary Breast and Ovarian Cancer. Identifiers: Orphanet 145, MedGen C2675520, MONDO:0012933, OMIM 612555. Disease mechanism: loss of function.

Submission:

Evidence-based Network for the Interpretation of Germline Mutant Alleles (ENIGMA)
Classification: Pathogenic for Breast-ovarian cancer, familial, susceptibility to, 2. Last evaluated: 2017-12-15. Review status: reviewed by expert panel. Criteria: ENIGMA BRCA1/2 Classification Criteria (2017-06-29). Collection method: curation. Allele origin: germline. Study: ENIGMA.
Comment: Variant allele predicted to encode a truncated non-functional protein.